The following is an entry in ClinVar:

ClinVar aggregate classification (germline): Uncertain significance. Review status: criteria provided, multiple submitters, no conflicts (2 of 4 stars). 2 submissions from 2 submitters: Uncertain significance (2). Last evaluated 2023-11-15.

Conditions:
Familial adenomatous polyposis 1 (FAP1). Also called: POLYPOSIS, ADENOMATOUS INTESTINAL; FAMILIAL ADENOMATOUS POLYPOSIS 1, ATTENUATED. Identifiers: MedGen C2713442, MONDO:0021056, OMIM 175100. Disease mechanism: loss of function.

Allele frequency attached by ClinVar (database versions not stated): gnomAD exomes below 0.00001.
gnomAD v4.1: 1 of 1,614,232 alleles (0.000062%); highest among the groups gnomAD compares: African/African-American, 0.0013%; no homozygotes.

Submissions (2):

Baylor Genetics
Classification: Uncertain significance for Familial adenomatous polyposis 1. Last evaluated: 2023-11-15. Review status: criteria provided, single submitter. Criteria: ACMG Guidelines, 2015. Collection method: clinical testing. Allele origin: unknown.

GeneDx
Classification: Uncertain significance. Last evaluated: 2023-02-15. Review status: criteria provided, single submitter. Criteria: GeneDx Variant Classification Process June 2021. Collection method: clinical testing. Allele origin: germline. Affected: yes.
Comment: Not observed at significant frequency in large population cohorts (gnomAD); In silico analysis supports that this missense variant does not alter protein structure/function; Has not been previously published as pathogenic or benign to our knowledge

NM_000038.6(APC):c.2747C>T (p.Thr916Ile)

Gene: APC (APC regulator of Wnt signaling pathway; plus strand). Cytogenetic location: 5q22.2.
Variant type: single nucleotide variant.
Coding change: c.2747C>T on transcript NM_000038.6 (MANE Select); coding-DNA position 2747, C replaced by T.
Protein change: p.Thr916Ile; replaces threonine 916 with isoleucine.
Molecular consequence: missense variant. On other transcripts: non-coding transcript variant (2).
Genome position (GRCh38, 1-based): chr5:112,838,341, C>T. VCF-style: chr5-112838341-C-T. GRCh37 (hg19) VCF-style: chr5-112174038-C-T.
Other names: c.2747C>T, p.Thr916Ile (NM_001127510.3, NM_001354895.2, NM_001407450.1); c.2693C>T, p.Thr898Ile (NM_001127511.3); c.2801C>T, p.Thr934Ile (NM_001354896.2, NM_001407447.1, NM_001407448.1 and 1 more transcripts); c.2777C>T, p.Thr926Ile (NM_001354897.2); c.2672C>T, p.Thr891Ile (NM_001354898.2); c.2663C>T, p.Thr888Ile (NM_001354899.2); c.2624C>T, p.Thr875Ile (NM_001354900.2); c.2570C>T, p.Thr857Ile (NM_001354901.2, NM_001407453.1); and 11 more; short protein forms T532I, T633I, T756I, T787I, T790I, T815I, T825I, T833I.
Identifiers: ClinVar variation 2576822 (VCV002576822.2), dbSNP rs2149876548, ClinGen allele CA16027324.